The following is an entry in ClinVar:

NM_001323289.2(CDKL5):c.403+1G>A

Gene: CDKL5 (cyclin dependent kinase like 5; plus strand). Cytogenetic location: Xp22.13.
Variant type: single nucleotide variant.
Coding change: c.403+1G>A on transcript NM_001323289.2 (MANE Select); the canonical splice donor site of the intron after coding-DNA position 403, G replaced by A.
Molecular consequence: splice donor variant.
Genome position (GRCh38, 1-based): chrX:18,579,969, G>A. VCF-style: chrX-18579969-G-A. GRCh37 (hg19) VCF-style: chrX-18598089-G-A.
Other names: c.403+1G>A (NM_003159.3, NM_001037343.2).
Identifiers: ClinVar variation 189586 (VCV000189586.3), dbSNP rs786204984, ClinGen allele CA199398.

ClinVar aggregate classification (germline): Pathogenic. Review status: criteria provided, multiple submitters, no conflicts (2 of 4 stars). 3 submissions from 3 submitters: Pathogenic (2). 1 of the submissions does not count toward it. Last evaluated 2024-09-24.

Conditions:
CDKL5 disorder. Identifiers: MedGen CN296942, MONDO:0100039.
Developmental and epileptic encephalopathy, 2 (DEE2). Also called: INFANTILE SPASM SYNDROME, X-LINKED 2; CDKL5 deficiency disorder. Identifiers: Orphanet 1934, Orphanet 3451, Orphanet 505652, MedGen C4750718, MONDO:0010396, OMIM 300672.
Atypical Rett syndrome. Also called: Rett like syndrome; Variant Rett Syndrome. Identifiers: Orphanet 3095, MedGen C2748910, MONDO:0017746.

Submissions (3):

Centre for Population Genomics, CPG
Classification: Pathogenic for CDKL5 disorder. Last evaluated: 2024-09-24. Review status: criteria provided, single submitter. Criteria: McKnight et al. (Hum Mutat. 2022). Collection method: curation. Allele origin: germline. Inheritance: X-linked inheritance.
Comment: This variant has been collected from RettBASE and curated to current modified ACMG/AMP criteria. Based on the classification scheme defined by the ClinGen Rett/Angelman-like Expert Panel for Rett/AS-like Disorders Specifications to the ACMG/AMP Variant Interpretation Guidelines VCEP 3.0, this variant is classified as pathogenic. At least the following criteria are met: Predicted to result in loss of function, and LOF is a known mechanism of disease (PVS1). This variant is absent from gnomAD v4 (PM2_Supporting). Has been observed in at least 2 individuals with phenotypes consistent with CDKL5 disorder (PS4_Supporting). PubMed: PMID:22982301 ,22982301, Variation ID: 189586

Centre for Inherited Metabolic Diseases, Karolinska University Hospital
Classification: Pathogenic for Developmental and epileptic encephalopathy, 2. Last evaluated: 2023-11-29. Review status: criteria provided, single submitter. Criteria: ACMG Guidelines, 2015. Collection method: clinical testing. Allele origin: de novo. Inheritance: Autosomal dominant inheritance. Affected: yes. Observed: 1 heterozygote.

RettBASE
Classification: Pathogenic for Atypical Rett syndrome. Last evaluated: 2014-03-13. Review status: no assertion criteria provided. Collection method: curation. Allele origin: de novo. Affected: yes. Observed: 1 variant allele. Not counted in ClinVar's aggregate classification.
Comment: Disrupts splice site but effect on transcript uncertain

Literature cited by the submitters: PubMed 22982301 (cited by RettBASE).